The following is an entry in ClinVar:

NM_004991.4(MECOM):c.3229G>C (p.Asp1077His)

Gene: MECOM (MDS1 and EVI1 complex locus; minus strand). Cytogenetic location: 3q26.2.
Variant type: single nucleotide variant.
Coding change: c.3229G>C on transcript NM_004991.4 (MANE Select); coding-DNA position 3229, G replaced by C.
Protein change: p.Asp1077His; replaces aspartic acid 1077 with histidine.
Molecular consequence: missense variant.
Genome position (GRCh38, 1-based): chr3:169,090,172, C>G on the plus strand (G>C on the coding strand, the complement: MECOM is on the minus strand). VCF-style: chr3-169090172-C-G. GRCh37 (hg19) VCF-style: chr3-168807960-C-G.
Other names: c.2860G>C, p.Asp954His (NM_001105077.4); c.2665G>C, p.Asp889His (NM_001105078.4, NM_001205194.2, NM_001366469.2 and 1 more transcripts); c.2641G>C, p.Asp881His (NM_001163999.2, NM_001366470.2); c.2638G>C, p.Asp880His (NM_001164000.2, NM_001366471.2, NM_001366472.2); c.3202G>C, p.Asp1068His (NM_001366466.2); c.2668G>C, p.Asp890His (NM_001366467.2, NM_001366468.2); c.2230G>C, p.Asp744His (NM_001366473.2); c.1666G>C, p.Asp556His (NM_001366474.2); short protein forms D1068H, D1077H, D556H, D744H, D880H, D881H, D889H, D890H.
Identifiers: ClinVar variation 4859744 (VCV004859744.1).
Genomic context (GRCh38, chr3:169,090,172, plus strand): 5'-TAATATCATTGTCTTCATCCTCCTCATCTAACAACACCTCATCTTCAACTTCTTCATCAT[C>G]CAGCAAGTCTGAATTTTGACTGGTCACCAAAGCCTTTTCATCTTTAAAATGACTGCCATT-3'
Protein context (NP_004982.2, residues 1067-1087): LVTSQNSDLL[Asp1077His]DEEVEDEVLL

ClinVar aggregate classification (germline): Uncertain significance (1 of 4 stars; one submission).

Conditions:
Inborn genetic diseases. Identifiers: MedGen C0950123, MeSH D030342.

Submission:

Ambry Genetics
Classification: Uncertain significance for Inborn genetic diseases. Last evaluated: 2026-04-20. Review status: criteria provided, single submitter. Criteria: Ambry Variant Classification Scheme 2023. Collection method: clinical testing. Allele origin: germline.
Comment: The p.D1077H variant (also known as c.3229G>C), located in coding exon 15 of the MECOM gene, results from a G to C substitution at nucleotide position 3229. The aspartic acid at codon 1077 is replaced by histidine, an amino acid with similar properties. This amino acid position is conserved. In addition, this alteration is predicted to be tolerated by in silico analysis. Based on the available evidence, the clinical significance of this variant remains unclear.